The following is an entry in ClinVar:

NM_003072.5(SMARCA4):c.4192G>A (p.Glu1398Lys)

Gene: SMARCA4 (SWI/SNF related BAF chromatin remodeling complex subunit ATPase 4; plus strand). Cytogenetic location: 19p13.2.
Variant type: single nucleotide variant.
Coding change: c.4192G>A on transcript NM_003072.5 (MANE Select); coding-DNA position 4192, G replaced by A.
Protein change: p.Glu1398Lys; replaces glutamic acid 1398 with lysine.
Molecular consequence: missense variant. On other transcripts: non-coding transcript variant (1).
Genome position (GRCh38, 1-based): chr19:11,041,328, G>A. VCF-style: chr19-11041328-G-A. GRCh37 (hg19) VCF-style: chr19-11152004-G-A.
Other names: c.4192G>A, p.Glu1398Lys (NM_001128844.3); c.4102G>A, p.Glu1368Lys (NM_001128845.2, NM_001128846.2); c.4093G>A, p.Glu1365Lys (NM_001128847.4, NM_001128848.2, NM_001374457.1); c.4288G>A, p.Glu1430Lys (NM_001128849.3, NM_001387283.1); c.4189G>A, p.Glu1397Lys (NM_001411150.1); short protein forms E1397K, E1430K, E1365K, E1398K, E1368K.
Identifiers: ClinVar variation 4759820 (VCV004759820.1).

ClinVar aggregate classification (germline): Uncertain significance (1 of 4 stars; one submission).

Conditions:
Rhabdoid tumor predisposition syndrome 2 (RTPS2). Identifiers: Orphanet 231108, Orphanet 69077, MedGen C2750074, MONDO:0013224, OMIM 613325.

Submission:

Labcorp Genetics (formerly Invitae), Labcorp
Classification: Uncertain significance for Rhabdoid tumor predisposition syndrome 2. Last evaluated: 2025-09-05. Review status: criteria provided, single submitter. Criteria: Invitae Variant Classification Sherloc (09022015). Collection method: clinical testing. Allele origin: germline.
Comment: This sequence change replaces glutamic acid, which is acidic and polar, with lysine, which is basic and polar, at codon 1430 of the SMARCA4 protein (p.Glu1430Lys). This variant is not present in population databases (gnomAD no frequency). This variant has not been reported in the literature in individuals affected with SMARCA4-related conditions. Invitae Evidence Modeling of protein sequence and biophysical properties (such as structural, functional, and spatial information, amino acid conservation, physicochemical variation, residue mobility, and thermodynamic stability) has been performed for this missense variant. However, the output from this modeling did not meet the statistical confidence thresholds required to predict the impact of this variant on SMARCA4 protein function. In summary, the available evidence is currently insufficient to determine the role of this variant in disease. Therefore, it has been classified as a Variant of Uncertain Significance.